The following is an entry in ClinVar:

ClinVar aggregate classification (germline): Uncertain significance. Review status: criteria provided, multiple submitters, no conflicts (2 of 4 stars). 2 submissions from 2 submitters: Uncertain significance (2). Last evaluated 2024-03-21.

Conditions:
Inborn genetic diseases. Identifiers: MedGen C0950123, MeSH D030342.

Allele frequency attached by ClinVar (database versions not stated): gnomAD exomes 0.00002; TOPMed 0.00002; gnomAD 0.00003.

Submissions (2):

Labcorp Genetics (formerly Invitae), Labcorp
Classification: Uncertain significance. Last evaluated: 2024-03-21. Review status: criteria provided, single submitter. Criteria: Invitae Variant Classification Sherloc (09022015). Collection method: clinical testing. Allele origin: germline.
Comment: This sequence change replaces methionine, which is neutral and non-polar, with isoleucine, which is neutral and non-polar, at codon 1168 of the AP3D1 protein (p.Met1168Ile). The frequency data for this variant in the population databases is considered unreliable, as metrics indicate poor data quality at this position in the gnomAD database. This variant has not been reported in the literature in individuals affected with AP3D1-related conditions. ClinVar contains an entry for this variant (Variation ID: 2308996). An algorithm developed to predict the effect of missense changes on protein structure and function (PolyPhen-2) suggests that this variant is likely to be tolerated. In summary, the available evidence is currently insufficient to determine the role of this variant in disease. Therefore, it has been classified as a Variant of Uncertain Significance.

Ambry Genetics
Classification: Uncertain significance for Inborn genetic diseases. Last evaluated: 2022-08-26. Review status: criteria provided, single submitter. Criteria: Ambry Variant Classification Scheme 2023. Collection method: clinical testing. Allele origin: germline.

NM_001261826.3(AP3D1):c.3504G>T (p.Met1168Ile)

Gene: AP3D1 (adaptor related protein complex 3 subunit delta 1; minus strand). Cytogenetic location: 19p13.3.
Variant type: single nucleotide variant.
Coding change: c.3504G>T on transcript NM_001261826.3 (MANE Select); coding-DNA position 3504, G replaced by T.
Protein change: p.Met1168Ile; replaces methionine 1168 with isoleucine.
Molecular consequence: missense variant.
Genome position (GRCh38, 1-based): chr19:2,108,735, C>A on the plus strand (G>T on the coding strand, the complement: AP3D1 is on the minus strand). VCF-style: chr19-2108735-C-A. GRCh37 (hg19) VCF-style: chr19-2108734-C-A.
Other names: c.3468G>T, p.Met1156Ile (NM_001374799.1); c.3318G>T, p.Met1106Ile (NM_003938.8); short protein forms M1156I, M1168I, M1106I.
Identifiers: ClinVar variation 2308996 (VCV002308996.4), dbSNP rs1194809414, ClinGen allele CA403200722.
Genomic context (GRCh38, chr19:2,108,735, plus strand): 5'-CCCGAGGCTCACCTTTTTCACCAGGAGGCAGACATGGTGGCCCTGGATGGAGCGGCTGTA[C>A]ATGGAGGCGCAGGAGTCCACTCGCTCCACAACTGCAACAGAGCGGGCAGTGTTAGGCTTC-3'
Protein context (NP_001248755.1, residues 1158-1178): VVERVDSCAS[Met1168Ile]YSRSIQGHHV